The following is an entry in ClinVar:

ClinVar aggregate classification (germline): Uncertain significance (1 of 4 stars; one submission).

Allele frequency attached by ClinVar (database versions not stated): gnomAD exomes below 0.00001.
gnomAD v4.1: 1 of 1,614,200 alleles (0.000062%); highest among the groups gnomAD compares: Non-Finnish European, 0.000085%; no homozygotes.

Submission:

Labcorp Genetics (formerly Invitae), Labcorp
Classification: Uncertain significance. Last evaluated: 2022-09-30. Review status: criteria provided, single submitter. Criteria: Invitae Variant Classification Sherloc (09022015). Collection method: clinical testing. Allele origin: germline.
Comment: This sequence change creates a premature translational stop signal (p.Gln867*) in the CSF2RB gene. While this is not anticipated to result in nonsense mediated decay, it is expected to disrupt the last 31 amino acid(s) of the CSF2RB protein. In summary, the available evidence is currently insufficient to determine the role of this variant in disease. Therefore, it has been classified as a Variant of Uncertain Significance. Experimental studies and prediction algorithms are not available or were not evaluated, and the functional significance of this variant is currently unknown. This variant has not been reported in the literature in individuals affected with CSF2RB-related conditions. This variant is not present in population databases (gnomAD no frequency).

NM_000395.3(CSF2RB):c.2599C>T (p.Gln867Ter)

Gene: CSF2RB (colony stimulating factor 2 receptor subunit beta; plus strand). Cytogenetic location: 22q12.3.
Variant type: single nucleotide variant.
Coding change: c.2599C>T on transcript NM_000395.3 (MANE Select); coding-DNA position 2599, C replaced by T.
Protein change: p.Gln867Ter; replaces glutamine 867 with a stop codon.
Molecular consequence: nonsense.
Genome position (GRCh38, 1-based): chr22:36,938,407, C>T. VCF-style: chr22-36938407-C-T. GRCh37 (hg19) VCF-style: chr22-37334449-C-T.
Other names: c.2617C>T, p.Gln873Ter (NM_001410827.1); short protein forms Q873*, Q867*.
Identifiers: ClinVar variation 2033455 (VCV002033455.4), dbSNP rs2518012322, ClinGen allele CA411411819.